The following is an entry in ClinVar:

ClinVar aggregate classification (germline): Uncertain significance. Review status: criteria provided, multiple submitters, no conflicts (2 of 4 stars). 2 submissions from 2 submitters: Uncertain significance (2). Last evaluated 2025-02-19.

Allele frequency attached by ClinVar (database versions not stated): TOPMed 0.00004; ExAC 0.00009; gnomAD exomes 0.00002; 1000 Genomes Project 30x 0.00016; 1000 Genomes Project 0.00020; gnomAD 0.00002.
gnomAD v4.1: 27 of 1,611,532 alleles (0.0017%); highest among the groups gnomAD compares: East Asian, 0.06%; no homozygotes.

Submissions (2):

Labcorp Genetics (formerly Invitae), Labcorp
Classification: Uncertain significance. Last evaluated: 2025-02-19. Review status: criteria provided, single submitter. Criteria: Invitae Variant Classification Sherloc (09022015). Collection method: clinical testing. Allele origin: germline.
Comment: This sequence change replaces threonine, which is neutral and polar, with serine, which is neutral and polar, at codon 245 of the NAA35 protein (p.Thr245Ser). This variant is present in population databases (rs200371490, gnomAD 0.07%), and has an allele count higher than expected for a pathogenic variant. This variant has not been reported in the literature in individuals affected with NAA35-related conditions. ClinVar contains an entry for this variant (Variation ID: 2600590). An algorithm developed to predict the effect of missense changes on protein structure and function (PolyPhen-2) suggests that this variant is likely to be tolerated. In summary, the available evidence is currently insufficient to determine the role of this variant in disease. Therefore, it has been classified as a Variant of Uncertain Significance.

Ambry Genetics
Classification: Uncertain significance. Last evaluated: 2023-09-13. Review status: criteria provided, single submitter. Criteria: Ambry Variant Classification Scheme 2023. Collection method: clinical testing. Allele origin: germline.

NM_024635.4(NAA35):c.733A>T (p.Thr245Ser)

Gene: NAA35 (N-alpha-acetyltransferase 35, NatC auxiliary subunit; plus strand). Cytogenetic location: 9q21.33.
Variant type: single nucleotide variant.
Coding change: c.733A>T on transcript NM_024635.4 (MANE Select); coding-DNA position 733, A replaced by T.
Protein change: p.Thr245Ser; replaces threonine 245 with serine.
Molecular consequence: missense variant.
Genome position (GRCh38, 1-based): chr9:85,977,417, A>T. VCF-style: chr9-85977417-A-T. GRCh37 (hg19) VCF-style: chr9-88592332-A-T.
Other names: c.733A>T, p.Thr245Ser (NM_001321881.2, NM_001321882.2); short protein forms T245S.
Identifiers: ClinVar variation 2600590 (VCV002600590.3), dbSNP rs200371490, ClinGen allele CA5107229.